The following is an entry in ClinVar:

NM_000222.3(KIT):c.1351T>A (p.Ser451Thr)

Gene: KIT (KIT proto-oncogene, receptor tyrosine kinase; plus strand). Cytogenetic location: 4q12.
Variant type: single nucleotide variant.
Coding change: c.1351T>A on transcript NM_000222.3 (MANE Select); coding-DNA position 1351, T replaced by A.
Protein change: p.Ser451Thr; replaces serine 451 with threonine.
Molecular consequence: missense variant.
Genome position (GRCh38, 1-based): chr4:54,725,861, T>A. VCF-style: chr4-54725861-T-A. GRCh37 (hg19) VCF-style: chr4-55592027-T-A.
Other names: c.1351T>A, p.Ser451Thr (NM_001093772.2, NM_001385285.1, NM_001385286.1); c.1354T>A, p.Ser452Thr (NM_001385284.1, NM_001385288.1, NM_001385290.1 and 1 more transcripts); short protein forms S451T, S452T.
Identifiers: ClinVar variation 1938064 (VCV001938064.6), dbSNP rs145183977, ClinGen allele CA356906217.
Genomic context (GRCh38, chr4:54,725,861, plus strand): 5'-TATGTATTTATTTATTTTCCTAGAGTAAGCCAGGGCTTTTGTTTTCTTCCCTTTAGATGC[T>A]CTGCTTCTGTACTGCCAGTGGATGTGCAGACACTAAACTCATCTGGGCCACCGTTTGGAA-3'
Protein context (NP_000213.1, residues 441-461): YFCPGTEQRC[Ser451Thr]ASVLPVDVQT

ClinVar aggregate classification (germline): Conflicting classifications of pathogenicity. Review status: criteria provided, conflicting classifications (1 of 4 stars). 2 submissions from 2 submitters: Uncertain significance (1); Likely benign (1). Last evaluated 2025-08-05.

Conditions:
Hereditary cancer-predisposing syndrome. Also called: Neoplastic Syndromes, Hereditary; Hereditary neoplastic syndrome; Hereditary Cancer Syndrome; Tumor predisposition. Identifiers: Orphanet 140162, MedGen C0027672, MeSH D009386, MONDO:0015356.
Gastrointestinal stromal tumor. Also called: Gastrointestinal stromal tumor, somatic; Gastrointestinal stroma tumor. Identifiers: Orphanet 44890, MedGen C0238198, MeSH D046152, MONDO:0011719, OMIM 606764, HP:0100723.

gnomAD v4.1: 1 of 1,614,100 alleles (0.000062%); no homozygotes.

Submissions (2):

Ambry Genetics
Classification: Likely benign for Hereditary cancer-predisposing syndrome. Last evaluated: 2025-08-05. Review status: criteria provided, single submitter. Criteria: Ambry Variant Classification Scheme 2023. Collection method: clinical testing. Allele origin: germline.

Labcorp Genetics (formerly Invitae), Labcorp
Classification: Uncertain significance for Gastrointestinal stromal tumor. Last evaluated: 2023-03-26. Review status: criteria provided, single submitter. Criteria: Invitae Variant Classification Sherloc (09022015). Collection method: clinical testing. Allele origin: germline.
Comment: This variant is not present in population databases (gnomAD no frequency). This sequence change replaces serine, which is neutral and polar, with threonine, which is neutral and polar, at codon 451 of the KIT protein (p.Ser451Thr). This variant has not been reported in the literature in individuals affected with KIT-related conditions. In summary, the available evidence is currently insufficient to determine the role of this variant in disease. Therefore, it has been classified as a Variant of Uncertain Significance. Algorithms developed to predict the effect of missense changes on protein structure and function output the following: SIFT: "Not Available"; PolyPhen-2: "Benign"; Align-GVGD: "Not Available". The threonine amino acid residue is found in multiple mammalian species, which suggests that this missense change does not adversely affect protein function. ClinVar contains an entry for this variant (Variation ID: 1938064).